The following is an entry in ClinVar:

NM_002907.4(RECQL):c.712C>T (p.Leu238Phe)

Gene: RECQL (RecQ like helicase; minus strand). Cytogenetic location: 12p12.1.
Variant type: single nucleotide variant.
Coding change: c.712C>T on transcript NM_002907.4 (MANE Select); coding-DNA position 712, C replaced by T.
Protein change: p.Leu238Phe; replaces leucine 238 with phenylalanine.
Molecular consequence: missense variant.
Genome position (GRCh38, 1-based): chr12:21,477,958, G>A on the plus strand (C>T on the coding strand, the complement: RECQL is on the minus strand). VCF-style: chr12-21477958-G-A. GRCh37 (hg19) VCF-style: chr12-21630892-G-A.
Other names: c.712C>T, p.Leu238Phe (NM_032941.3); short protein forms L238F.
Identifiers: ClinVar variation 1757302 (VCV001757302.5), dbSNP rs2540357180, ClinGen allele CA384125088.
Genomic context (GRCh38, chr12:21,477,958, plus strand): 5'-TTGCAGTTGCAGTCAGCCCAATTAGTGATGCGTTAGGGAACTGCCGCTTTAAGATACCAA[G>A]TGCCTTATAATCTGAAAAAACAAACAAAGTGGCCCTTTTTCTATCCTTTAAGAGTTAGAG-3'
Protein context (NP_002898.2, residues 228-248): GHDFRPDYKA[Leu238Phe]GILKRQFPNA

ClinVar aggregate classification (germline): Uncertain significance. Review status: criteria provided, multiple submitters, no conflicts (2 of 4 stars). 3 submissions from 3 submitters: Uncertain significance (3). Last evaluated 2024-06-04.

Conditions:
RECON progeroid syndrome (RECON). Identifiers: MedGen C5830504, MONDO:0957266, OMIM 620370.

Allele frequency attached by ClinVar (database versions not stated): gnomAD exomes below 0.00001.
gnomAD v4.1: 6 of 1,606,788 alleles (0.00037%); highest among the groups gnomAD compares: Non-Finnish European, 0.00042%; no homozygotes.

Submissions (3):

Labcorp Genetics (formerly Invitae), Labcorp
Classification: Uncertain significance. Last evaluated: 2024-06-04. Review status: criteria provided, single submitter. Criteria: Invitae Variant Classification Sherloc (09022015). Collection method: clinical testing. Allele origin: germline.
Comment: This sequence change replaces leucine, which is neutral and non-polar, with phenylalanine, which is neutral and non-polar, at codon 238 of the RECQL protein (p.Leu238Phe). This variant is not present in population databases (gnomAD no frequency). This variant has not been reported in the literature in individuals affected with RECQL-related conditions. ClinVar contains an entry for this variant (Variation ID: 1757302). Advanced modeling of protein sequence and biophysical properties (such as structural, functional, and spatial information, amino acid conservation, physicochemical variation, residue mobility, and thermodynamic stability) performed at Invitae indicates that this missense variant is expected to disrupt RECQL protein function with a positive predictive value of 80%. In summary, the available evidence is currently insufficient to determine the role of this variant in disease. Therefore, it has been classified as a Variant of Uncertain Significance.

Fulgent Genetics
Classification: Uncertain significance for RECON progeroid syndrome. Last evaluated: 2024-02-29. Review status: criteria provided, single submitter. Criteria: ACMG Guidelines, 2015. Collection method: clinical testing. Allele origin: germline.

Ambry Genetics
Classification: Uncertain significance. Last evaluated: 2024-02-25. Review status: criteria provided, single submitter. Criteria: Ambry Variant Classification Scheme 2023. Collection method: clinical testing. Allele origin: germline.
Comment: The p.L238F variant (also known as c.712C>T), located in coding exon 6 of the RECQL gene, results from a C to T substitution at nucleotide position 712. The leucine at codon 238 is replaced by phenylalanine, an amino acid with highly similar properties. This amino acid position is highly conserved in available vertebrate species. In addition, this alteration is predicted to be deleterious by in silico analysis. Since supporting evidence is limited at this time, the clinical significance of this alteration remains unclear.